The following is an entry in ClinVar:

NM_001903.5(CTNNA1):c.2187T>C (p.Phe729=)

Gene: CTNNA1 (catenin alpha 1; plus strand). Cytogenetic location: 5q31.2.
Variant type: single nucleotide variant.
Coding change: c.2187T>C on transcript NM_001903.5 (MANE Select); coding-DNA position 2187, T replaced by C.
Protein change: p.Phe729=; no amino-acid change (phenylalanine 729 retained).
Molecular consequence: synonymous variant.
Genome position (GRCh38, 1-based): chr5:138,930,649, T>C. VCF-style: chr5-138930649-T-C. GRCh37 (hg19) VCF-style: chr5-138266338-T-C.
Other names: c.738T>C, p.Phe246= (NM_001324008.1, NM_001324009.1, NM_001324010.1 and 2 more transcripts); c.984T>C, p.Phe328= (NM_001324011.1); c.834T>C, p.Phe278= (NM_001324012.1, NM_001324013.1); c.2187T>C, p.Phe729= (NM_001290307.3, NM_001323982.2, NM_001323983.1 and 2 more transcripts); c.1878T>C, p.Phe626= (NM_001290309.3); c.1818T>C, p.Phe606= (NM_001290310.3); c.1077T>C, p.Phe359= (NM_001290312.1, NM_001323987.1, NM_001323988.1 and 17 more transcripts); c.2094T>C, p.Phe698= (NM_001323986.2).
Identifiers: ClinVar variation 1787356 (VCV001787356.8), dbSNP rs768209345, ClinGen allele CA3432122.
Genomic context (GRCh38, chr5:138,930,649, plus strand): 5'-CAATGACATCATTGTGCTGGCCAAGCAGATGTGCATGATTATGATGGAGATGACAGACTT[T>C]ACCCGGTGAGCAGCACCCCGGCCCCACCAGGCTGCACAGGGGCTACTTTCTTCCCCACAG-3'
Protein context (NP_001894.2, residues 719-739): MCMIMMEMTD[Phe729=]TRGKGPLKNT

ClinVar aggregate classification (germline): Benign/Likely benign. Review status: criteria provided, multiple submitters, no conflicts (2 of 4 stars). 3 submissions from 3 submitters: Benign (1); Likely benign (2). Last evaluated 2025-07-31.

Conditions:
Hereditary cancer-predisposing syndrome. Also called: Tumor predisposition; Neoplastic Syndromes, Hereditary; Hereditary Cancer Syndrome; Hereditary neoplastic syndrome. Identifiers: Orphanet 140162, MedGen C0027672, MeSH D009386, MONDO:0015356.
Hereditary diffuse gastric adenocarcinoma (HDGC). Also called: DIFFUSE GASTRIC AND LOBULAR BREAST CANCER SYNDROME. Identifiers: Orphanet 26106, MedGen C1708349, MONDO:0007648, OMIM 137215.

Allele frequency attached by ClinVar (database versions not stated): gnomAD exomes below 0.00001; gnomAD 0.00001; ExAC 0.00002.
gnomAD v4.1: 2 of 1,611,820 alleles (0.00012%); highest among the groups gnomAD compares: African/African-American, 0.0013%; no homozygotes.

Submissions (3):

Labcorp Genetics (formerly Invitae), Labcorp
Classification: Likely benign. Last evaluated: 2025-07-31. Review status: criteria provided, single submitter. Criteria: Invitae Variant Classification Sherloc (09022015). Collection method: clinical testing. Allele origin: germline.

Myriad Genetics, Inc.
Classification: Benign for Hereditary diffuse gastric adenocarcinoma. Last evaluated: 2024-10-14. Review status: criteria provided, single submitter. Criteria: Myriad Autosomal Dominant, Autosomal Recessive and X-Linked Classification Criteria (2023). Collection method: clinical testing. Allele origin: unknown.
Comment: This variant is considered benign. This variant is a silent/synonymous amino acid change and it is not expected to impact splicing.

Ambry Genetics
Classification: Likely benign for Hereditary cancer-predisposing syndrome. Last evaluated: 2019-07-02. Review status: criteria provided, single submitter. Criteria: Ambry Variant Classification Scheme 2023. Collection method: clinical testing. Allele origin: germline.